The following is an entry in ClinVar:

ClinVar aggregate classification (germline): Likely benign. Review status: criteria provided, multiple submitters, no conflicts (2 of 4 stars). 3 submissions from 3 submitters: Likely benign (3). Last evaluated 2024-09-25.

Conditions:
Melanoma, cutaneous malignant, susceptibility to, 3. Also called: Cutaneous malignant melanoma 3. Identifiers: Orphanet 618, MedGen C1836892, MONDO:0012183, OMIM 609048.
Familial melanoma. Also called: Hereditary melanoma; Hereditary cutaneous melanoma. Identifiers: Orphanet 618, MedGen C1512419, MONDO:0018961.

Submissions (3):

Myriad Genetics, Inc.
Classification: Likely benign for Melanoma, cutaneous malignant, susceptibility to, 3. Last evaluated: 2024-09-25. Review status: criteria provided, single submitter. Criteria: Myriad Autosomal Dominant, Autosomal Recessive and X-Linked Classification Criteria (2023). Collection method: clinical testing. Allele origin: unknown.
Comment: This variant is considered likely benign. This variant is intronic and is not expected to impact mRNA splicing.

Labcorp Genetics (formerly Invitae), Labcorp
Classification: Likely benign for Familial melanoma. Last evaluated: 2024-04-09. Review status: criteria provided, single submitter. Criteria: Invitae Variant Classification Sherloc (09022015). Collection method: clinical testing. Allele origin: germline.

Mendelics
Classification: Likely benign for Melanoma, cutaneous malignant, susceptibility to, 3. Last evaluated: 2019-05-28. Review status: criteria provided, single submitter. Criteria: Mendelics Assertion Criteria 2017. Collection method: clinical testing. Allele origin: unknown.

NM_000075.4(CDK4):c.523-20A>T

Gene: CDK4 (cyclin dependent kinase 4; minus strand). Cytogenetic location: 12q14.1.
Variant type: single nucleotide variant.
Coding change: c.523-20A>T on transcript NM_000075.4 (MANE Select); 20 bases into the intron before coding-DNA position 523, A replaced by T.
Molecular consequence: intron variant.
Genome position (GRCh38, 1-based): chr12:57,750,785, T>A on the plus strand (A>T on the coding strand, the complement: CDK4 is on the minus strand). VCF-style: chr12-57750785-T-A. GRCh37 (hg19) VCF-style: chr12-58144568-T-A.
Identifiers: ClinVar variation 802868 (VCV000802868.6), dbSNP rs1595110299, ClinGen allele CA915948425.
Genomic context (GRCh38, chr12:57,750,785, plus strand): 5'-TGCAGAAGAACTTCGGGAGCTCGGTACCAGAGTGTAACAACCTAAAGGGAATAGGAAGAA[T>A]GGATGGGGACCCCATGGGTTACCATGAAACACAACTTGCTTGACTGAACACATGAAGCAC-3'